The following is an entry in ClinVar:

NM_021615.5(CHST6):c.455T>C (p.Leu152Pro)

Gene: CHST6 (carbohydrate sulfotransferase 6; minus strand). Cytogenetic location: 16q23.1.
Variant type: single nucleotide variant.
Coding change: c.455T>C on transcript NM_021615.5 (MANE Select); coding-DNA position 455, T replaced by C.
Protein change: p.Leu152Pro; replaces leucine 152 with proline.
Molecular consequence: missense variant.
Genome position (GRCh38, 1-based): chr16:75,479,374, A>G on the plus strand (T>C on the coding strand, the complement: CHST6 is on the minus strand). VCF-style: chr16-75479374-A-G. GRCh37 (hg19) VCF-style: chr16-75513272-A-G.
Other names: c.455T>C (NM_021615.4); short protein forms L152P.
Identifiers: ClinVar variation 2503819 (VCV002503819.1), dbSNP rs142954809, ClinGen allele CA283854673.
Genomic context (GRCh38, chr16:75,479,374, plus strand): 5'-ACCACGTGGCTGTAGGAGCGGCAGGCCTCCCGGGCCAGGGTGAAGGACTGCCGCGCGCAC[A>G]GTGGCTTGCACACGGCCTCGCTGCTGATGGCGCCTCGGGGAAAGGCACTGCAGGCGGGTG-3'
Protein context (NP_067628.1, residues 142-162): AISSEAVCKP[Leu152Pro]CARQSFTLAR

ClinVar aggregate classification (germline): Uncertain significance (1 of 4 stars; one submission).

Allele frequency attached by ClinVar (database versions not stated): ESP Exome Variant Server 0.00008.

Submission:

Women's Health and Genetics/Laboratory Corporation of America, LabCorp
Classification: Uncertain significance. Last evaluated: 2023-04-27. Review status: criteria provided, single submitter. Criteria: LabCorp Variant Classification Summary - May 2015. Collection method: clinical testing. Allele origin: germline.
Comment: Variant summary: CHST6 c.455T>C (p.Leu152Pro) results in a non-conservative amino acid change located in the Sulfotransferase domain (IPR000863) of the encoded protein sequence. Four of five in-silico tools predict a damaging effect of the variant on protein function. The variant was absent in 247358 control chromosomes. c.455T>C has been reported in the literature in at least one homozygous individual affected with Macular Corneal Dystrophy (e.g., Niel_2003). These data indicate that the variant may be associated with disease. To our knowledge, no experimental evidence demonstrating an impact on protein function has been reported. The following publication was ascertained in the context of this evaluation (PMID: 12824236). No clinical diagnostic laboratories have submitted clinical-significance assessments for this variant to ClinVar after 2014. Based on the evidence outlined above, the variant was classified as VUS-possibly pathogenic.

Literature cited by the submitters: PubMed 12824236.